The following is an entry in ClinVar:

ClinVar aggregate classification (germline): Uncertain significance (1 of 4 stars; one submission).

gnomAD v4.1: 16 of 1,610,044 alleles (0.00099%); highest among the groups gnomAD compares: Non-Finnish European, 0.0014%; no homozygotes.

Submission:

Ambry Genetics
Classification: Uncertain significance. Last evaluated: 2026-07-29. Review status: criteria provided, single submitter. Criteria: Ambry Variant Classification Scheme 2023. Collection method: clinical testing. Allele origin: germline.
Comment: The c.2918A>T (p.E973V) alteration is located in exon 16 (coding exon 15) of the SPTBN5 gene. This alteration results from a A to T substitution at nucleotide position 2918, causing the glutamic acid (E) at amino acid position 973 to be replaced by a valine (V). Based on data from gnomAD, the T allele has an overall frequency of 0.002% (4/275802) total alleles studied. The highest observed frequency was 0.003% (4/126188) of European (non-Finnish) alleles. Based on insufficient or conflicting evidence, the clinical significance of this alteration remains unclear.

NM_016642.4(SPTBN5):c.3023A>T (p.Glu1008Val)

Gene: SPTBN5 (spectrin beta, non-erythrocytic 5; minus strand). Cytogenetic location: 15q15.1.
Variant type: single nucleotide variant.
Coding change: c.3023A>T on transcript NM_016642.4 (MANE Select); coding-DNA position 3023, A replaced by T.
Protein change: p.Glu1008Val; replaces glutamic acid 1008 with valine.
Molecular consequence: missense variant.
Genome position (GRCh38, 1-based): chr15:41,879,419, T>A on the plus strand (A>T on the coding strand, the complement: SPTBN5 is on the minus strand). VCF-style: chr15-41879419-T-A. GRCh37 (hg19) VCF-style: chr15-42171617-T-A.
Other names: short protein forms E1008V.
Identifiers: ClinVar variation 5030202 (VCV005030202.1).